The following is an entry in ClinVar:

NM_001040108.2(MLH3):c.946G>C (p.Glu316Gln)

Gene: MLH3 (mutL homolog 3; minus strand). Cytogenetic location: 14q24.3.
Variant type: single nucleotide variant.
Coding change: c.946G>C on transcript NM_001040108.2 (MANE Select); coding-DNA position 946, G replaced by C.
Protein change: p.Glu316Gln; replaces glutamic acid 316 with glutamine.
Molecular consequence: missense variant.
Genome position (GRCh38, 1-based): chr14:75,048,710, C>G on the plus strand (G>C on the coding strand, the complement: MLH3 is on the minus strand). VCF-style: chr14-75048710-C-G. GRCh37 (hg19) VCF-style: chr14-75515413-C-G.
Other names: c.946G>C, p.Glu316Gln (NM_014381.3); short protein forms E316Q.
Identifiers: ClinVar variation 1767066 (VCV001767066.6), dbSNP rs780230299, ClinGen allele CA7275941.
Genomic context (GRCh38, chr14:75,048,710, plus strand): 5'-GAGTGTCCCAGTTCTGAAATTCAATCAGAGTTTTGGCTGGCTCCATGCACACATCATACT[C>G]ACAGAATTGGCACTGCACATTAATTACATATATGCCATAGAGTTCTGGGGTAGACCGGTG-3'
Protein context (NP_001035197.1, residues 306-326): YVINVQCQFC[Glu316Gln]YDVCMEPAKT

ClinVar aggregate classification (germline): Uncertain significance. Review status: criteria provided, multiple submitters, no conflicts (2 of 4 stars). 2 submissions from 2 submitters: Uncertain significance (2). Last evaluated 2024-12-20.

Conditions:
Colorectal cancer, hereditary nonpolyposis, type 7. Identifiers: Orphanet 144, MedGen C1858380, MONDO:0013725, OMIM 614385.

Allele frequency attached by ClinVar (database versions not stated): gnomAD exomes below 0.00001; TOPMed below 0.00001; gnomAD 0.00001; ExAC 0.00002.
gnomAD v4.1: 3 of 1,614,050 alleles (0.00019%); highest among the groups gnomAD compares: African/African-American, 0.0027%; no homozygotes.

Submissions (2):

Ambry Genetics
Classification: Uncertain significance. Last evaluated: 2024-12-20. Review status: criteria provided, single submitter. Criteria: Ambry Variant Classification Scheme 2023. Collection method: clinical testing. Allele origin: germline.
Comment: The p.E316Q variant (also known as c.946G>C), located in coding exon 1 of the MLH3 gene, results from a G to C substitution at nucleotide position 946. The glutamic acid at codon 316 is replaced by glutamine, an amino acid with highly similar properties. This amino acid position is conserved. In addition, the in silico prediction for this alteration is inconclusive. Since supporting evidence is limited at this time, the clinical significance of this alteration remains unclear.

Labcorp Genetics (formerly Invitae), Labcorp
Classification: Uncertain significance for Colorectal cancer, hereditary nonpolyposis, type 7. Last evaluated: 2022-11-23. Review status: criteria provided, single submitter. Criteria: Invitae Variant Classification Sherloc (09022015). Collection method: clinical testing. Allele origin: germline.
Comment: This sequence change replaces glutamic acid, which is acidic and polar, with glutamine, which is neutral and polar, at codon 316 of the MLH3 protein (p.Glu316Gln). In summary, the available evidence is currently insufficient to determine the role of this variant in disease. Therefore, it has been classified as a Variant of Uncertain Significance. Algorithms developed to predict the effect of missense changes on protein structure and function are either unavailable or do not agree on the potential impact of this missense change (SIFT: "Tolerated"; PolyPhen-2: "Probably Damaging"; Align-GVGD: "Class C0"). This variant has not been reported in the literature in individuals affected with MLH3-related conditions. This variant is present in population databases (rs780230299, gnomAD 0.008%).